The following is an entry in ClinVar:

NM_000548.5(TSC2):c.4078G>T (p.Glu1360Ter)

Gene: TSC2 (TSC complex subunit 2; plus strand). Cytogenetic location: 16p13.3.
Variant type: single nucleotide variant.
Coding change: c.4078G>T on transcript NM_000548.5 (MANE Select); coding-DNA position 4078, G replaced by T.
Protein change: p.Glu1360Ter; replaces glutamic acid 1360 with a stop codon.
Molecular consequence: nonsense.
Genome position (GRCh38, 1-based): chr16:2,084,300, G>T. VCF-style: chr16-2084300-G-T. GRCh37 (hg19) VCF-style: chr16-2134301-G-T.
Other names: c.3877G>T, p.Glu1293Ter (NM_001077183.3); c.4009G>T, p.Glu1337Ter (NM_001114382.3); c.3769G>T, p.Glu1257Ter (NM_001318827.2); c.3733G>T, p.Glu1245Ter (NM_001318829.2); c.3346G>T, p.Glu1116Ter (NM_001318831.2); c.3910G>T, p.Glu1304Ter (NM_001318832.2); c.3880G>T, p.Glu1294Ter (NM_001363528.2); c.3946G>T, p.Glu1316Ter (NM_001370404.1); and 1 more; short protein forms E1360*, E1304*, E1317*, E1257*, E1293*, E1245*, E1294*, E1316*.
Identifiers: ClinVar variation 65003 (VCV000065003.6), dbSNP rs397514997, ClinGen allele CA019910.

ClinVar aggregate classification (germline): Pathogenic. Review status: criteria provided, single submitter (1 of 4 stars). 2 submissions from 2 submitters: Pathogenic (1). 1 of the submissions does not count toward it. Last evaluated 2022-04-24.

Conditions:
Tuberous sclerosis syndrome (TSC). Also called: Tuberous Sclerosis Complex; Tuberous sclerosis. Identifiers: Orphanet 805, MedGen C0041341, MONDO:0001734.
Tuberous sclerosis 2 (TSC2). Identifiers: Orphanet 805, MedGen C1860707, MONDO:0013199, OMIM 613254.

Submissions (2):

Labcorp Genetics (formerly Invitae), Labcorp
Classification: Pathogenic for Tuberous sclerosis 2. Last evaluated: 2022-04-24. Review status: criteria provided, single submitter. Criteria: Invitae Variant Classification Sherloc (09022015). Collection method: clinical testing. Allele origin: germline.
Comment: This sequence change creates a premature translational stop signal (p.Glu1360*) in the TSC2 gene. It is expected to result in an absent or disrupted protein product. Loss-of-function variants in TSC2 are known to be pathogenic (PMID: 10205261, 17304050). This variant is not present in population databases (gnomAD no frequency). For these reasons, this variant has been classified as Pathogenic. ClinVar contains an entry for this variant (Variation ID: 65003). This variant has not been reported in the literature in individuals affected with TSC2-related conditions.

Tuberous sclerosis database (TSC2)
No classification provided. Condition: TSC. Review status: no classification provided. Criteria: Tuberous Sclerosis Database Assertion Criteria 2015. Collection method: curation. Allele origin: germline. Affected: yes. Not counted in ClinVar's aggregate classification.

Literature cited by the submitters: PubMed 10205261 (cited by Labcorp Genetics (formerly Invitae), Labcorp); PubMed 17304050 (cited by Labcorp Genetics (formerly Invitae), Labcorp).